The following is an entry in ClinVar:

ClinVar aggregate classification (germline): Uncertain significance (1 of 4 stars; one submission).

gnomAD v4.1: 2 of 1,612,078 alleles (0.00012%); highest among the groups gnomAD compares: South Asian, 0.0022%; no homozygotes.

Submission:

Labcorp Genetics (formerly Invitae), Labcorp
Classification: Uncertain significance. Last evaluated: 2025-08-16. Review status: criteria provided, single submitter. Criteria: Invitae Variant Classification Sherloc (09022015). Collection method: clinical testing. Allele origin: germline.
Comment: This sequence change replaces tyrosine, which is neutral and polar, with histidine, which is basic and polar, at codon 430 of the EDNRB protein (p.Tyr430His). This variant is present in population databases (rs568662694, gnomAD 0.003%). This variant has not been reported in the literature in individuals affected with EDNRB-related conditions. An algorithm developed to predict the effect of missense changes on protein structure and function (PolyPhen-2) suggests that this variant is likely to be disruptive. In summary, the available evidence is currently insufficient to determine the role of this variant in disease. Therefore, it has been classified as a Variant of Uncertain Significance.

NM_001122659.3(EDNRB):c.1288T>C (p.Tyr430His)

Genes: EDNRB (endothelin receptor type B; minus strand), EDNRB-AS1 (EDNRB antisense RNA 1; plus strand). Cytogenetic location: 13q22.3.
Variant type: single nucleotide variant.
Coding change: c.1288T>C on transcript NM_001122659.3 (MANE Select); coding-DNA position 1288, T replaced by C.
Protein change: p.Tyr430His; replaces tyrosine 430 with histidine.
Molecular consequence: missense variant. On other transcripts: intron variant (1).
Genome position (GRCh38, 1-based): chr13:77,898,241, A>G on the plus strand (T>C on the coding strand, the complement: EDNRB is on the minus strand). VCF-style: chr13-77898241-A-G. GRCh37 (hg19) VCF-style: chr13-78472376-A-G.
Other names: c.1288T>C, p.Tyr430His (NM_000115.5); c.1558T>C, p.Tyr520His (NM_001201397.2); c.1194+1618T>C (NM_003991.4); short protein forms Y520H, Y430H.
Identifiers: ClinVar variation 4690487 (VCV004690487.1).